The following is an entry in ClinVar:

ClinVar aggregate classification (germline): Uncertain significance (1 of 4 stars; one submission).

Conditions:
SPTBN5-related disorder. Also called: SPTBN5-related condition.

Submission:

PreventionGenetics, part of Exact Sciences
Classification: Uncertain significance for SPTBN5-related condition. Last evaluated: 2025-06-07. Review status: criteria provided, single submitter. Criteria: ACMG Guidelines, 2015. Collection method: clinical testing. Allele origin: germline.
Comment: The SPTBN5 c.7305delC variant is predicted to result in a frameshift and premature protein termination (p.Glu2436Argfs*74). To our knowledge, this variant has not been reported in the literature or in a large population database (gnomAD), indicating this variant is rare. At this time, the clinical significance of this variant is uncertain due to the absence of conclusive functional and genetic evidence.

NM_016642.4(SPTBN5):c.7305del (p.Glu2436fs)

Gene: SPTBN5 (spectrin beta, non-erythrocytic 5; minus strand). Cytogenetic location: 15q15.1.
Variant type: Deletion.
Coding change: c.7305del on transcript NM_016642.4 (MANE Select); coding-DNA position 7305, one base deleted (C; older notation c.7305delC).
Protein change: p.Glu2436fs; shifts the reading frame from glutamic acid 2436.
Molecular consequence: frameshift variant.
Genome position (GRCh38, 1-based): chr15:41,862,619, G deleted on the plus strand (C on the coding strand, the reverse complement: SPTBN5 is on the minus strand); the first of 4 consecutive G bases (chr15:41,862,619-41,862,622); deleting any one gives the same sequence. VCF-style (leftmost placement, unchanged base first): chr15-41862618-CG-C. GRCh37 (hg19) VCF-style: chr15-42154816-CG-C.
Other names: short protein forms E2436fs.
Identifiers: ClinVar variation 5002558 (VCV005002558.1).